The following is an entry in ClinVar:

NM_001557.4(CXCR2):c.32T>C (p.Phe11Ser)

Gene: CXCR2 (C-X-C motif chemokine receptor 2; plus strand). Cytogenetic location: 2q35.
Variant type: single nucleotide variant.
Coding change: c.32T>C on transcript NM_001557.4 (MANE Select); coding-DNA position 32, T replaced by C.
Protein change: p.Phe11Ser; replaces phenylalanine 11 with serine.
Molecular consequence: missense variant.
Genome position (GRCh38, 1-based): chr2:218,134,833, T>C. VCF-style: chr2-218134833-T-C. GRCh37 (hg19) VCF-style: chr2-218999556-T-C.
Other names: c.32T>C, p.Phe11Ser (NM_001168298.2); c.32T>C (NM_001557.3); short protein forms F11S.
Identifiers: ClinVar variation 2050538 (VCV002050538.4), dbSNP rs1225234360, ClinGen allele CA350528269.

ClinVar aggregate classification (germline): Uncertain significance. Review status: criteria provided, multiple submitters, no conflicts (2 of 4 stars). 2 submissions from 2 submitters: Uncertain significance (2). Last evaluated 2025-09-10.

Allele frequency attached by ClinVar (database versions not stated): gnomAD 0.00001; gnomAD exomes 0.00001; TOPMed 0.00001.

Submissions (2):

Ambry Genetics
Classification: Uncertain significance. Last evaluated: 2025-09-10. Review status: criteria provided, single submitter. Criteria: Ambry Variant Classification Scheme 2023. Collection method: clinical testing. Allele origin: germline.

Labcorp Genetics (formerly Invitae), Labcorp
Classification: Uncertain significance. Last evaluated: 2022-03-26. Review status: criteria provided, single submitter. Criteria: Invitae Variant Classification Sherloc (09022015). Collection method: clinical testing. Allele origin: germline.
Comment: In summary, the available evidence is currently insufficient to determine the role of this variant in disease. Therefore, it has been classified as a Variant of Uncertain Significance. Algorithms developed to predict the effect of missense changes on protein structure and function (SIFT, PolyPhen-2, Align-GVGD) all suggest that this variant is likely to be tolerated. This variant has not been reported in the literature in individuals affected with CXCR2-related conditions. This variant is present in population databases (no rsID available, gnomAD 0.007%). This sequence change replaces phenylalanine, which is neutral and non-polar, with serine, which is neutral and polar, at codon 11 of the CXCR2 protein (p.Phe11Ser).